The following is an entry in ClinVar:

NM_000059.4(BRCA2):c.6624T>C (p.Asn2208=)

Gene: BRCA2 (BRCA2 DNA repair associated; plus strand). Cytogenetic location: 13q13.1.
Variant type: single nucleotide variant.
Coding change: c.6624T>C on transcript NM_000059.4 (MANE Select); coding-DNA position 6624, T replaced by C.
Protein change: p.Asn2208=; no amino-acid change (asparagine 2208 retained).
Molecular consequence: synonymous variant.
Genome position (GRCh38, 1-based): chr13:32,340,979, T>C. VCF-style: chr13-32340979-T-C. GRCh37 (hg19) VCF-style: chr13-32915116-T-C.
Identifiers: ClinVar variation 185287 (VCV000185287.18), dbSNP rs786202057, ClinGen allele CA024216.

ClinVar aggregate classification (germline): Likely benign. Review status: reviewed by expert panel (3 of 4 stars). 3 submissions from 3 submitters: Likely benign (1). 2 of the submissions do not count toward it. Last evaluated 2017-06-29.

Conditions:
Hereditary cancer-predisposing syndrome. Also called: Tumor predisposition; Hereditary Cancer Syndrome; Hereditary neoplastic syndrome; Neoplastic Syndromes, Hereditary. Identifiers: Orphanet 140162, MedGen C0027672, MeSH D009386, MONDO:0015356.
Hereditary breast ovarian cancer syndrome. Also called: Breast and ovarian cancer; Hereditary breast and ovarian cancer syndrome; Hereditary breast and ovarian cancer; BRCA1- and BRCA2-Associated Hereditary Breast and Ovarian Cancer; Hereditary breast and ovarian cancer syndrome (HBOC); Hereditary breast and/or ovarian cancer syndrome. Identifiers: Orphanet 145, MedGen C0677776, MeSH D061325, MONDO:0003582. Disease mechanism: loss of function.
Breast-ovarian cancer, familial, susceptibility to, 2 (BROVCA2). Also called: BRCA2 Hereditary Breast and Ovarian Cancer. Identifiers: Orphanet 145, MedGen C2675520, MONDO:0012933, OMIM 612555. Disease mechanism: loss of function.

Allele frequency attached by ClinVar (database versions not stated): gnomAD exomes below 0.00001.
gnomAD v4.1: 1 of 1,608,718 alleles (0.000062%); highest among the groups gnomAD compares: Non-Finnish European, 0.000085%; no homozygotes.

Submissions (3):

Evidence-based Network for the Interpretation of Germline Mutant Alleles (ENIGMA)
Classification: Likely benign for Breast-ovarian cancer, familial, susceptibility to, 2. Last evaluated: 2017-06-29. Review status: reviewed by expert panel. Criteria: ENIGMA BRCA1/2 Classification Criteria (2017-06-29). Collection method: curation. Allele origin: germline.
Comment: Synonymous substitution variant, with low bioinformatic likelihood to result in a splicing aberration (Splicing prior probability 0.02).

Labcorp Genetics (formerly Invitae), Labcorp
Classification: Likely benign for Hereditary breast ovarian cancer syndrome. Last evaluated: 2024-04-10. Review status: criteria provided, single submitter. Criteria: Invitae Variant Classification Sherloc (09022015). Collection method: clinical testing. Allele origin: germline. Not counted in ClinVar's aggregate classification.

Ambry Genetics
Classification: Likely benign for Hereditary cancer-predisposing syndrome. Last evaluated: 2014-05-29. Review status: criteria provided, single submitter. Criteria: Ambry Variant Classification Scheme 2023. Collection method: clinical testing. Allele origin: germline. Not counted in ClinVar's aggregate classification.